The following is an entry in ClinVar:

NM_001330078.2(NRXN1):c.3707G>A (p.Arg1236His)

Gene: NRXN1 (neurexin 1; minus strand). Cytogenetic location: 2p16.3.
Variant type: single nucleotide variant.
Coding change: c.3707G>A on transcript NM_001330078.2 (MANE Select); coding-DNA position 3707, G replaced by A.
Protein change: p.Arg1236His; replaces arginine 1236 with histidine.
Molecular consequence: missense variant.
Genome position (GRCh38, 1-based): chr2:50,091,334, C>T on the plus strand (G>A on the coding strand, the complement: NRXN1 is on the minus strand). VCF-style: chr2-50091334-C-T. GRCh37 (hg19) VCF-style: chr2-50318472-C-T.
Other names: c.3827G>A, p.Arg1276His (NM_001135659.3); c.3683G>A, p.Arg1228His (NM_001330077.2, NM_001330082.2); c.3641G>A, p.Arg1214His (NM_001330083.2, NM_001330084.2); c.3680G>A, p.Arg1227His (NM_001330085.2); c.3707G>A, p.Arg1236His (NM_001330086.2, NM_004801.6); c.3596G>A, p.Arg1199His (NM_001330087.2, NM_001330096.2); c.3626G>A, p.Arg1209His (NM_001330088.2); c.602G>A, p.Arg201His (NM_001330091.2, NM_001330092.2, NM_001330097.2 and 1 more transcripts); and 3 more; short protein forms R1214H, R1228H, R1236H, R1276H, R1219H, R1199H, R1227H, R1209H.
Identifiers: ClinVar variation 2164133 (VCV002164133.4), dbSNP rs200658010, ClinGen allele CA1654389.
Genomic context (GRCh38, chr2:50,091,334, plus strand): 5'-CAGTTTGTTTTTCATAAAATCTTCCCCCGATACATATTCACTTGCTTACCTGCAGGGTAG[C>T]GCTCGATCACTGGCCAGCTGTCCACCTGCAACGTGGCATTGCCACCACTCCTCGTGAAAC-3'
Protein context (NP_001317007.1, residues 1226-1246): LQVDSWPVIE[Arg1236His]YPAGNNDNER

ClinVar aggregate classification (germline): Uncertain significance (1 of 4 stars; one submission).

Conditions:
Pitt-Hopkins-like syndrome 2 (PTHSL2). Identifiers: Orphanet 221150, Orphanet 600663, MedGen C3280479, MONDO:0013690, OMIM 614325.

Allele frequency attached by ClinVar (database versions not stated): gnomAD exomes 0.00001; TOPMed 0.00001; ExAC 0.00002.
gnomAD v4.1: 8 of 1,614,026 alleles (0.0005%); highest among the groups gnomAD compares: African/African-American, 0.0027%; no homozygotes.

Submission:

Labcorp Genetics (formerly Invitae), Labcorp
Classification: Uncertain significance for Pitt-Hopkins-like syndrome 2. Last evaluated: 2022-05-24. Review status: criteria provided, single submitter. Criteria: Invitae Variant Classification Sherloc (09022015). Collection method: clinical testing. Allele origin: germline.
Comment: In summary, the available evidence is currently insufficient to determine the role of this variant in disease. Therefore, it has been classified as a Variant of Uncertain Significance. Algorithms developed to predict the effect of missense changes on protein structure and function are either unavailable or do not agree on the potential impact of this missense change (SIFT: "Tolerated"; PolyPhen-2: "Possibly Damaging"; Align-GVGD: "Class C0"). This variant has not been reported in the literature in individuals affected with NRXN1-related conditions. This variant is present in population databases (rs200658010, gnomAD 0.01%). This sequence change replaces arginine, which is basic and polar, with histidine, which is basic and polar, at codon 1276 of the NRXN1 protein (p.Arg1276His).